The following is an entry in ClinVar:

NM_004281.4(BAG3):c.251C>G (p.Pro84Arg)

Gene: BAG3 (BAG cochaperone 3; plus strand). Cytogenetic location: 10q26.11.
Variant type: single nucleotide variant.
Coding change: c.251C>G on transcript NM_004281.4 (MANE Select); coding-DNA position 251, C replaced by G.
Protein change: p.Pro84Arg; replaces proline 84 with arginine.
Molecular consequence: missense variant.
Genome position (GRCh38, 1-based): chr10:119,669,921, C>G. VCF-style: chr10-119669921-C-G. GRCh37 (hg19) VCF-style: chr10-121429433-C-G.
Other names: short protein forms P84R.
Identifiers: ClinVar variation 2094437 (VCV002094437.4), dbSNP rs2494009116, ClinGen allele CA378294727.

ClinVar aggregate classification (germline): Uncertain significance (1 of 4 stars; one submission).

Conditions:
Myofibrillar myopathy 6. Identifiers: Orphanet 199340, MedGen C2751831, MONDO:0013061, OMIM 612954.
Dilated cardiomyopathy 1HH (CMD1HH). Identifiers: Orphanet 154, MedGen C3151293, MONDO:0013479, OMIM 613881.

Submission:

Labcorp Genetics (formerly Invitae), Labcorp
Classification: Uncertain significance for Dilated cardiomyopathy 1HH; Myofibrillar myopathy 6. Last evaluated: 2022-02-07. Review status: criteria provided, single submitter. Criteria: Invitae Variant Classification Sherloc (09022015). Collection method: clinical testing. Allele origin: germline.
Comment: In summary, the available evidence is currently insufficient to determine the role of this variant in disease. Therefore, it has been classified as a Variant of Uncertain Significance. Algorithms developed to predict the effect of sequence changes on RNA splicing suggest that this variant may create or strengthen a splice site. This sequence change replaces proline, which is neutral and non-polar, with arginine, which is basic and polar, at codon 84 of the BAG3 protein (p.Pro84Arg). This variant is not present in population databases (gnomAD no frequency). This variant has not been reported in the literature in individuals affected with BAG3-related conditions. Algorithms developed to predict the effect of missense changes on protein structure and function are either unavailable or do not agree on the potential impact of this missense change (SIFT: "Deleterious"; PolyPhen-2: "Possibly Damaging"; Align-GVGD: "Class C0").